The following is an entry in ClinVar:

NM_001005373.4(LRSAM1):c.6G>A (p.Pro2=)

Gene: LRSAM1 (leucine rich repeat and sterile alpha motif containing 1; plus strand). Cytogenetic location: 9q33.3.
Variant type: single nucleotide variant.
Coding change: c.6G>A on transcript NM_001005373.4 (MANE Select); coding-DNA position 6, G replaced by A.
Protein change: p.Pro2=; no amino-acid change (proline 2 retained).
Molecular consequence: synonymous variant. On other transcripts: 5 prime UTR variant (1), non-coding transcript variant (2).
Genome position (GRCh38, 1-based): chr9:127,454,533, G>A. VCF-style: chr9-127454533-G-A. GRCh37 (hg19) VCF-style: chr9-130216812-G-A.
Other names: c.6G>A, p.Pro2= (NM_001005374.4, NM_001190723.3, NM_001384142.1 and 2 more transcripts); c.-779G>A (NM_001384144.1).
Identifiers: ClinVar variation 698612 (VCV000698612.12), dbSNP rs572330792, ClinGen allele CA5246339.

ClinVar aggregate classification (germline): Likely benign. Review status: criteria provided, multiple submitters, no conflicts (2 of 4 stars). 2 submissions from 2 submitters: Likely benign (2). Last evaluated 2026-03-25.

Conditions:
LRSAM1-related disorder. Also called: LRSAM1-related condition.
Charcot-Marie-Tooth disease axonal type 2P. Also called: Charcot-Marie-Tooth Neuropathy Type 2G; CHARCOT-MARIE-TOOTH NEUROPATHY, TYPE 2P; CHARCOT-MARIE-TOOTH DISEASE, AXONAL, TYPE 2G; CMT 2G. Identifiers: Orphanet 300319, Orphanet 99941, MedGen C3280797, MONDO:0013753, OMIM 614436.

Allele frequency attached by ClinVar (database versions not stated): gnomAD 0.00004 and 0.00005; ExAC 0.00007; TOPMed 0.00007; 1000 Genomes Project 30x 0.00016; 1000 Genomes Project 0.00020.
gnomAD v4.1: 48 of 1,614,084 alleles (0.003%); highest among the groups gnomAD compares: Admixed American, 0.022%; no homozygotes.

Submissions (2):

PreventionGenetics, part of Exact Sciences
Classification: Likely benign for LRSAM1-related condition. Last evaluated: 2026-03-25. Review status: criteria provided, single submitter. Criteria: ACMG Guidelines, 2015. Collection method: clinical testing. Allele origin: germline.
Comment: This variant is classified as likely benign based on ACMG/AMP sequence variant interpretation guidelines (Richards et al. 2015 PMID: 25741868, with internal and published modifications).

Labcorp Genetics (formerly Invitae), Labcorp
Classification: Likely benign for Charcot-Marie-Tooth disease axonal type 2P. Last evaluated: 2025-12-24. Review status: criteria provided, single submitter. Criteria: Invitae Variant Classification Sherloc (09022015). Collection method: clinical testing. Allele origin: germline.